The following is an entry in ClinVar:

NM_001365088.1(SLC12A6):c.3106G>A (p.Glu1036Lys)

Gene: SLC12A6 (solute carrier family 12 member 6; minus strand). Cytogenetic location: 15q14.
Variant type: single nucleotide variant.
Coding change: c.3106G>A on transcript NM_001365088.1 (MANE Select); coding-DNA position 3106, G replaced by A.
Protein change: p.Glu1036Lys; replaces glutamic acid 1036 with lysine.
Molecular consequence: missense variant.
Genome position (GRCh38, 1-based): chr15:34,236,136, C>T on the plus strand (G>A on the coding strand, the complement: SLC12A6 is on the minus strand). VCF-style: chr15-34236136-C-T. GRCh37 (hg19) VCF-style: chr15-34528337-C-T.
Other names: c.2929G>A, p.Glu977Lys (NM_001042494.2, NM_001042495.2); c.3079G>A, p.Glu1027Lys (NM_001042496.2); c.3061G>A, p.Glu1021Lys (NM_001042497.2); c.2953G>A, p.Glu985Lys (NM_005135.2); c.3106G>A, p.Glu1036Lys (NM_133647.2); short protein forms E1027K, E985K, E977K, E1021K, E1036K.
Identifiers: ClinVar variation 2920150 (VCV002920150.3), dbSNP rs764764975, ClinGen allele CA7463923.
Genomic context (GRCh38, chr15:34,236,136, plus strand): 5'-CCATGTACTTGTCTTTTGTCCAAGTCATGTGCACCTTCTCCTGATAGGTTTCTGTCTCTT[C>T]GTCCTCATCAGAGCCAATGCTGGTCAATCGTAGCATTGAGTTTCGGTCTTTCACCAATTG-3'
Protein context (NP_001352017.1, residues 1026-1046): RLTSIGSDED[Glu1036Lys]ETETYQEKVH

ClinVar aggregate classification (germline): Uncertain significance (1 of 4 stars; one submission).

Allele frequency attached by ClinVar (database versions not stated): gnomAD exomes below 0.00001; ExAC 0.00001.
gnomAD v4.1: 2 of 1,613,642 alleles (0.00012%); highest among the groups gnomAD compares: South Asian, 0.0011%; no homozygotes.

Submission:

Labcorp Genetics (formerly Invitae), Labcorp
Classification: Uncertain significance. Last evaluated: 2023-08-02. Review status: criteria provided, single submitter. Criteria: Invitae Variant Classification Sherloc (09022015). Collection method: clinical testing. Allele origin: germline.
Comment: This sequence change replaces glutamic acid, which is acidic and polar, with lysine, which is basic and polar, at codon 1036 of the SLC12A6 protein (p.Glu1036Lys). This variant is present in population databases (rs764764975, gnomAD 0.003%). This variant has not been reported in the literature in individuals affected with SLC12A6-related conditions. Advanced modeling of protein sequence and biophysical properties (such as structural, functional, and spatial information, amino acid conservation, physicochemical variation, residue mobility, and thermodynamic stability) performed at Invitae indicates that this missense variant is not expected to disrupt SLC12A6 protein function. In summary, the available evidence is currently insufficient to determine the role of this variant in disease. Therefore, it has been classified as a Variant of Uncertain Significance.